The following is an entry in ClinVar:

ClinVar aggregate classification (germline): Uncertain significance. Review status: criteria provided, multiple submitters, no conflicts (2 of 4 stars). 2 submissions from 2 submitters: Uncertain significance (2). Last evaluated 2024-03-11.

Conditions:
Tuberous sclerosis 2 (TSC2). Identifiers: Orphanet 805, MedGen C1860707, MONDO:0013199, OMIM 613254.
Hereditary cancer-predisposing syndrome. Also called: Neoplastic Syndromes, Hereditary; Tumor predisposition; Hereditary neoplastic syndrome; Hereditary Cancer Syndrome. Identifiers: Orphanet 140162, MedGen C0027672, MeSH D009386, MONDO:0015356.

Submissions (2):

Labcorp Genetics (formerly Invitae), Labcorp
Classification: Uncertain significance for Tuberous sclerosis 2. Last evaluated: 2024-03-11. Review status: criteria provided, single submitter. Criteria: Invitae Variant Classification Sherloc (09022015). Collection method: clinical testing. Allele origin: germline.
Comment: This sequence change replaces alanine, which is neutral and non-polar, with valine, which is neutral and non-polar, at codon 1428 of the TSC2 protein (p.Ala1428Val). This variant is not present in population databases (gnomAD no frequency). This variant has not been reported in the literature in individuals affected with TSC2-related conditions. ClinVar contains an entry for this variant (Variation ID: 1487082). Advanced modeling of protein sequence and biophysical properties (such as structural, functional, and spatial information, amino acid conservation, physicochemical variation, residue mobility, and thermodynamic stability) performed at Invitae indicates that this missense variant is not expected to disrupt TSC2 protein function with a negative predictive value of 95%. In summary, the available evidence is currently insufficient to determine the role of this variant in disease. Therefore, it has been classified as a Variant of Uncertain Significance.

Ambry Genetics
Classification: Uncertain significance for Hereditary cancer-predisposing syndrome. Last evaluated: 2022-05-13. Review status: criteria provided, single submitter. Criteria: Ambry Variant Classification Scheme 2023. Collection method: clinical testing. Allele origin: germline.
Comment: The p.A1428V variant (also known as c.4283C>T), located in coding exon 33 of the TSC2 gene, results from a C to T substitution at nucleotide position 4283. The alanine at codon 1428 is replaced by valine, an amino acid with similar properties. This amino acid position is conserved. In addition, the in silico prediction for this alteration is inconclusive. Since supporting evidence is limited at this time, the clinical significance of this alteration remains unclear.

NM_000548.5(TSC2):c.4283C>T (p.Ala1428Val)

Gene: TSC2 (TSC complex subunit 2; plus strand). Cytogenetic location: 16p13.3.
Variant type: single nucleotide variant.
Coding change: c.4283C>T on transcript NM_000548.5 (MANE Select); coding-DNA position 4283, C replaced by T.
Protein change: p.Ala1428Val; replaces alanine 1428 with valine.
Molecular consequence: missense variant.
Genome position (GRCh38, 1-based): chr16:2,084,505, C>T. VCF-style: chr16-2084505-C-T. GRCh37 (hg19) VCF-style: chr16-2134506-C-T.
Other names: c.4082C>T, p.Ala1361Val (NM_001077183.3); c.4214C>T, p.Ala1405Val (NM_001114382.3); c.3974C>T, p.Ala1325Val (NM_001318827.2); c.3938C>T, p.Ala1313Val (NM_001318829.2); c.3551C>T, p.Ala1184Val (NM_001318831.2); c.4115C>T, p.Ala1372Val (NM_001318832.2); c.4085C>T, p.Ala1362Val (NM_001363528.2); c.4151C>T, p.Ala1384Val (NM_001370404.1); and 1 more; short protein forms A1362V, A1372V, A1384V, A1405V, A1313V, A1361V, A1428V, A1184V.
Identifiers: ClinVar variation 1487082 (VCV001487082.10), dbSNP rs2151530908, ClinGen allele CA394300900.